The following is an entry in ClinVar:

NM_144573.4(NEXN):c.50C>G (p.Pro17Arg)

Gene: NEXN (nexilin F-actin binding protein; plus strand). Cytogenetic location: 1p31.1.
Variant type: single nucleotide variant.
Coding change: c.50C>G on transcript NM_144573.4 (MANE Select); coding-DNA position 50, C replaced by G.
Protein change: p.Pro17Arg; replaces proline 17 with arginine.
Molecular consequence: missense variant. On other transcripts: intron variant (1).
Genome position (GRCh38, 1-based): chr1:77,917,588, C>G. VCF-style: chr1-77917588-C-G. GRCh37 (hg19) VCF-style: chr1-78383273-C-G.
Other names: c.28-372C>G (NM_001172309.2); short protein forms P17R.
Identifiers: ClinVar variation 2449168 (VCV002449168.3), dbSNP rs2526781191, ClinGen allele CA340884996.

ClinVar aggregate classification (germline): Uncertain significance (1 of 4 stars; one submission).

Conditions:
Cardiovascular phenotype. Identifiers: MedGen CN230736.

gnomAD v4.1: 2 of 1,612,870 alleles (0.00012%); highest among the groups gnomAD compares: Non-Finnish European, 0.00017%; no homozygotes.

Submission:

Ambry Genetics
Classification: Uncertain significance for Cardiovascular phenotype. Last evaluated: 2025-05-24. Review status: criteria provided, single submitter. Criteria: Ambry Variant Classification Scheme 2023. Collection method: clinical testing. Allele origin: germline.
Comment: The p.P17R variant (also known as c.50C>G), located in coding exon 2 of the NEXN gene, results from a C to G substitution at nucleotide position 50. The proline at codon 17 is replaced by arginine, an amino acid with dissimilar properties. This amino acid position is conserved. In addition, this alteration is predicted to be deleterious by in silico analysis. Since supporting evidence is limited at this time, the clinical significance of this alteration remains unclear.